The following is an entry in ClinVar:

NM_001184880.2(PCDH19):c.3127A>G (p.Ile1043Val)

Gene: PCDH19 (protocadherin 19; minus strand). Cytogenetic location: Xq22.1.
Variant type: single nucleotide variant.
Coding change: c.3127A>G on transcript NM_001184880.2 (MANE Select); coding-DNA position 3127, A replaced by G.
Protein change: p.Ile1043Val; replaces isoleucine 1043 with valine.
Molecular consequence: missense variant.
Genome position (GRCh38, 1-based): chrX:100,296,597, T>C on the plus strand (A>G on the coding strand, the complement: PCDH19 is on the minus strand). VCF-style: chrX-100296597-T-C. GRCh37 (hg19) VCF-style: chrX-99551595-T-C.
Other names: c.2986A>G, p.Ile996Val (NM_001105243.2); c.2983A>G, p.Ile995Val (NM_020766.3); short protein forms I1043V, I995V, I996V.
Identifiers: ClinVar variation 449713 (VCV000449713.51), dbSNP rs189342249, ClinGen allele CA10468669.

ClinVar aggregate classification (germline): Conflicting classifications of pathogenicity. Review status: criteria provided, conflicting classifications (1 of 4 stars). 3 submissions from 3 submitters: Uncertain significance (1); Likely benign (2). Last evaluated 2025-10-21.

Conditions:
Inborn genetic diseases. Identifiers: MedGen C0950123, MeSH D030342.
Developmental and epileptic encephalopathy, 9 (DEE9). Also called: Early infantile epileptic encephalopathy 9; JUBERG-HELLMAN SYNDROME; PCDH19-Related X-Linked Female-Limited Epilepsy with Mental Retardation; EPILEPSY, FEMALE-RESTRICTED, WITH MENTAL RETARDATION. Identifiers: Orphanet 101039, Orphanet 2076, MedGen C1848137, MONDO:0010246, OMIM 300088. Disease mechanism: loss of function.

Allele frequency attached by ClinVar (database versions not stated): gnomAD 0.00005; TOPMed 0.00023; 1000 Genomes Project 30x 0.00042.
gnomAD v4.1: 27 of 1,209,621 alleles (0.0022%); highest among the groups gnomAD compares: Admixed American, 0.046%; no homozygotes.

Submissions (3):

Labcorp Genetics (formerly Invitae), Labcorp
Classification: Uncertain significance for Developmental and epileptic encephalopathy, 9. Last evaluated: 2025-10-21. Review status: criteria provided, single submitter. Criteria: Invitae Variant Classification Sherloc (09022015). Collection method: clinical testing. Allele origin: germline.
Comment: This sequence change replaces isoleucine, which is neutral and non-polar, with valine, which is neutral and non-polar, at codon 1043 of the PCDH19 protein (p.Ile1043Val). This variant is present in population databases (rs189342249, gnomAD 0.03%). This variant has not been reported in the literature in individuals affected with PCDH19-related conditions. ClinVar contains an entry for this variant (Variation ID: 449713). Invitae Evidence Modeling of protein sequence and biophysical properties (such as structural, functional, and spatial information, amino acid conservation, physicochemical variation, residue mobility, and thermodynamic stability) indicates that this missense variant is not expected to disrupt PCDH19 protein function with a negative predictive value of 95%. In summary, the available evidence is currently insufficient to determine the role of this variant in disease. Therefore, it has been classified as a Variant of Uncertain Significance.

GeneDx
Classification: Likely benign. Last evaluated: 2021-05-03. Review status: criteria provided, single submitter. Criteria: GeneDx Variant Classification Process June 2021. Collection method: clinical testing. Allele origin: germline. Affected: yes.

Ambry Genetics
Classification: Likely benign for Inborn genetic diseases. Last evaluated: 2018-02-28. Review status: criteria provided, single submitter. Criteria: Ambry Variant Classification Scheme 2023. Collection method: clinical testing. Allele origin: germline.